The following is an entry in ClinVar:

NM_000059.4(BRCA2):c.3487G>A (p.Asp1163Asn)

Gene: BRCA2 (BRCA2 DNA repair associated; plus strand). Cytogenetic location: 13q13.1.
Variant type: single nucleotide variant.
Coding change: c.3487G>A on transcript NM_000059.4 (MANE Select); coding-DNA position 3487, G replaced by A.
Protein change: p.Asp1163Asn; replaces aspartic acid 1163 with asparagine.
Molecular consequence: missense variant.
Genome position (GRCh38, 1-based): chr13:32,337,842, G>A. VCF-style: chr13-32337842-G-A. GRCh37 (hg19) VCF-style: chr13-32911979-G-A.
Other names: c.3487G>A, p.Asp1163Asn (NM_001406719.1, NM_001406720.1); short protein forms D1163N.
Identifiers: ClinVar variation 2145904 (VCV002145904.6), dbSNP rs2137497090, ClinGen allele CA387776888.
Genomic context (GRCh38, chr13:32,337,842, plus strand): 5'-GAAGTGCCTGAAAACCAGATGACTATCTTAAAGACCACTTCTGAGGAATGCAGAGATGCT[G>A]ATCTTCATGTCATAATGAATGCCCCATCGATTGGTCAGGTAGACAGCAGCAAGCAATTTG-3'
Protein context (NP_000050.3, residues 1153-1173): KTTSEECRDA[Asp1163Asn]LHVIMNAPSI

ClinVar aggregate classification (germline): Conflicting classifications of pathogenicity. Review status: criteria provided, conflicting classifications (1 of 4 stars). 2 submissions from 2 submitters: Uncertain significance (1); Likely benign (1). Last evaluated 2025-07-31.

Conditions:
Hereditary cancer-predisposing syndrome. Also called: Neoplastic Syndromes, Hereditary; Tumor predisposition; Hereditary neoplastic syndrome; Hereditary Cancer Syndrome. Identifiers: Orphanet 140162, MedGen C0027672, MeSH D009386, MONDO:0015356.
Hereditary breast ovarian cancer syndrome. Also called: Hereditary breast and ovarian cancer syndrome; Hereditary breast and/or ovarian cancer syndrome; Hereditary breast and ovarian cancer; BRCA1- and BRCA2-Associated Hereditary Breast and Ovarian Cancer; Hereditary breast and ovarian cancer syndrome (HBOC); Breast and ovarian cancer. Identifiers: Orphanet 145, MedGen C0677776, MeSH D061325, MONDO:0003582. Disease mechanism: loss of function.

Submissions (2):

Labcorp Genetics (formerly Invitae), Labcorp
Classification: Uncertain significance for Hereditary breast ovarian cancer syndrome. Last evaluated: 2025-07-31. Review status: criteria provided, single submitter. Criteria: Invitae Variant Classification Sherloc (09022015). Collection method: clinical testing. Allele origin: germline.
Comment: This sequence change replaces aspartic acid, which is acidic and polar, with asparagine, which is neutral and polar, at codon 1163 of the BRCA2 protein (p.Asp1163Asn). This variant is not present in population databases (gnomAD no frequency). This variant has not been reported in the literature in individuals affected with BRCA2-related conditions. ClinVar contains an entry for this variant (Variation ID: 2145904). Invitae Evidence Modeling of protein sequence and biophysical properties (such as structural, functional, and spatial information, amino acid conservation, physicochemical variation, residue mobility, and thermodynamic stability) indicates that this missense variant is not expected to disrupt BRCA2 protein function with a negative predictive value of 95%. In summary, the available evidence is currently insufficient to determine the role of this variant in disease. Therefore, it has been classified as a Variant of Uncertain Significance.

University of Washington Department of Laboratory Medicine, University of Washington
Classification: Likely benign for Hereditary cancer-predisposing syndrome. Last evaluated: 2023-03-23. Review status: criteria provided, single submitter. Criteria: Dines et al. (Genet Med. 2020). Collection method: curation. Allele origin: germline.
Comment: Missense variant in a coldspot region where missense variants are very unlikely to be pathogenic (PMID:31911673).

BRCA2 exon 11 coldspot. Reclassification based on statistical prior probability.